The following is an entry in ClinVar:

NM_015602.4(TOR1AIP1):c.416C>G (p.Pro139Arg)

Genes: TOR1AIP1 (torsin 1A interacting protein 1; plus strand), LOC112577517 (Sharpr-MPRA regulatory region 13766; plus strand). Cytogenetic location: 1q25.2.
Variant type: single nucleotide variant.
Coding change: c.416C>G on transcript NM_015602.4 (MANE Select); coding-DNA position 416, C replaced by G.
Protein change: p.Pro139Arg; replaces proline 139 with arginine.
Molecular consequence: missense variant.
Genome position (GRCh38, 1-based): chr1:179,882,918, C>G. VCF-style: chr1-179882918-C-G. GRCh37 (hg19) VCF-style: chr1-179852053-C-G.
Other names: c.416C>G, p.Pro139Arg (NM_001267578.2); short protein forms P139R.
Identifiers: ClinVar variation 1981901 (VCV001981901.4), dbSNP rs777161352, ClinGen allele CA343578272.

ClinVar aggregate classification (germline): Uncertain significance (1 of 4 stars; one submission).

Conditions:
Autosomal recessive limb-girdle muscular dystrophy type 2Y (MRRSDC). Also called: Muscular dystrophy, limb-girdle, type 2y; Muscular dystrophy, autosomal recessive, with rigid spine and distal joint contractures. Identifiers: Orphanet 424261, MedGen C4511482, MONDO:0014900, OMIM 617072.

Submission:

Labcorp Genetics (formerly Invitae), Labcorp
Classification: Uncertain significance for Autosomal recessive limb-girdle muscular dystrophy type 2Y. Last evaluated: 2022-04-04. Review status: criteria provided, single submitter. Criteria: Invitae Variant Classification Sherloc (09022015). Collection method: clinical testing. Allele origin: germline.
Comment: This variant has not been reported in the literature in individuals affected with TOR1AIP1-related conditions. This variant is present in population databases (no rsID available, gnomAD 0.003%). This sequence change replaces proline, which is neutral and non-polar, with arginine, which is basic and polar, at codon 139 of the TOR1AIP1 protein (p.Pro139Arg). Algorithms developed to predict the effect of missense changes on protein structure and function are either unavailable or do not agree on the potential impact of this missense change (SIFT: "Deleterious"; PolyPhen-2: "Possibly Damaging"; Align-GVGD: "Class C0"). In summary, the available evidence is currently insufficient to determine the role of this variant in disease. Therefore, it has been classified as a Variant of Uncertain Significance.